The following is an entry in ClinVar:

ClinVar aggregate classification (germline): Uncertain significance (1 of 4 stars; one submission).

Allele frequency attached by ClinVar (database versions not stated): gnomAD exomes 0.00001 and 0.00002; ExAC 0.00002; gnomAD 0.00008 and 0.00010; TOPMed 0.00012.
gnomAD v4.1: 28 of 1,612,294 alleles (0.0017%); highest among the groups gnomAD compares: African/African-American, 0.025%; no homozygotes.

Submission:

Labcorp Genetics (formerly Invitae), Labcorp
Classification: Uncertain significance. Last evaluated: 2025-07-10. Review status: criteria provided, single submitter. Criteria: Invitae Variant Classification Sherloc (09022015). Collection method: clinical testing. Allele origin: germline.
Comment: This sequence change replaces threonine, which is neutral and polar, with serine, which is neutral and polar, at codon 2498 of the HMCN1 protein (p.Thr2498Ser). This variant is present in population databases (rs376556463, gnomAD 0.01%). This variant has not been reported in the literature in individuals affected with HMCN1-related conditions. ClinVar contains an entry for this variant (Variation ID: 1406816). An algorithm developed to predict the effect of missense changes on protein structure and function (PolyPhen-2) suggests that this variant is likely to be tolerated. In summary, the available evidence is currently insufficient to determine the role of this variant in disease. Therefore, it has been classified as a Variant of Uncertain Significance.

NM_031935.3(HMCN1):c.7492A>T (p.Thr2498Ser)

Gene: HMCN1 (hemicentin 1; plus strand). Cytogenetic location: 1q31.1.
Variant type: single nucleotide variant.
Coding change: c.7492A>T on transcript NM_031935.3 (MANE Select); coding-DNA position 7492, A replaced by T.
Protein change: p.Thr2498Ser; replaces threonine 2498 with serine.
Molecular consequence: missense variant.
Genome position (GRCh38, 1-based): chr1:186,062,579, A>T. VCF-style: chr1-186062579-A-T. GRCh37 (hg19) VCF-style: chr1-186031711-A-T.
Other names: short protein forms T2498S.
Identifiers: ClinVar variation 1406816 (VCV001406816.6), dbSNP rs376556463, ClinGen allele CA1292850.